The following is an entry in ClinVar:

NM_000492.4(CFTR):c.3612G>A (p.Trp1204Ter)

Genes: CFTR (CF transmembrane conductance regulator; plus strand), CFTR-AS2 (CFTR antisense RNA 2; minus strand). Cytogenetic location: 7q31.2.
Variant type: single nucleotide variant.
Coding change: c.3612G>A on transcript NM_000492.4 (MANE Select); coding-DNA position 3612, G replaced by A.
Protein change: p.Trp1204Ter; replaces tryptophan 1204 with a stop codon.
Molecular consequence: nonsense.
Genome position (GRCh38, 1-based): chr7:117,627,665, G>A. VCF-style: chr7-117627665-G-A. GRCh37 (hg19) VCF-style: chr7-117267719-G-A.
Other names: short protein forms W1204*.
Identifiers: ClinVar variation 53779 (VCV000053779.27), dbSNP rs121908765, ClinGen allele CA221029.

ClinVar aggregate classification (germline): Pathogenic. Review status: reviewed by expert panel (3 of 4 stars). 11 submissions from 11 submitters: Pathogenic (1). 10 of the submissions do not count toward it. Last evaluated 2017-03-17.

Conditions:
CFTR-related disorder (CFTR-RD). Also called: CFTR-related condition; CFTR-related disorders. Identifiers: MedGen C5924204, MONDO:7770004.
Cystic fibrosis (CF). Also called: MUCOVISCIDOSIS. Identifiers: Orphanet 586, MedGen C0010674, MONDO:0009061, OMIM 219700. Disease mechanism: loss of function.
Bronchiectasis with or without elevated sweat chloride 1 (BESC1). Also called: Cystic Fibrosis-Like Syndrome. Identifiers: Orphanet 60033, MedGen C2749757, MONDO:0008887, OMIM 211400.

Allele frequency attached by ClinVar (database versions not stated): gnomAD exomes 0.00001; ExAC 0.00001.

Submissions (11):

CFTR2
Classification: Pathogenic for Cystic fibrosis. Last evaluated: 2017-03-17. Review status: reviewed by expert panel. Criteria: Sosnay PR et al. (Nat Genet 2013). Collection method: research. Allele origin: germline. Affected: yes. Study: CFTR2.

Natera, Inc.
Classification: Pathogenic for CFTR-related disorders. Last evaluated: 2025-12-30. Review status: criteria provided, single submitter. Criteria: Natera Variant Classification Schema (03/2026). Collection method: clinical testing. Allele origin: germline. Not counted in ClinVar's aggregate classification.
Comment: The c.3612G>A variant in CFTR is a nonsense variant predicted to introduce a stop codon at amino acid 1204. This variant is expected to result in nonsense mediated decay, truncation, or a dysfunctional protein product. This variant is rare in the general population with a frequency below the threshold expected for the associated phenotype(s). This variant has been observed in one or more individuals affected with the associated recessive disease, as either homozygous or compound heterozygous with a second variant (PMID: 15858154). Given the available evidence, this variant is classified as Pathogenic.

Labcorp Genetics (formerly Invitae), Labcorp
Classification: Pathogenic for Cystic fibrosis. Last evaluated: 2025-12-29. Review status: criteria provided, single submitter. Criteria: Invitae Variant Classification Sherloc (09022015). Collection method: clinical testing. Allele origin: germline. Not counted in ClinVar's aggregate classification.
Comment: This sequence change creates a premature translational stop signal (p.Trp1204*) in the CFTR gene. It is expected to result in an absent or disrupted protein product. Loss-of-function variants in CFTR are known to be pathogenic (PMID: 1695717, 7691345, 9725922). This variant is present in population databases (rs121908765, gnomAD 0.006%). This premature translational stop signal has been observed in individual(s) with cystic fibrosis (PMID: 7522211, 23974870). ClinVar contains an entry for this variant (Variation ID: 53779). For these reasons, this variant has been classified as Pathogenic.

Ambry Genetics
Classification: Pathogenic for Cystic fibrosis. Last evaluated: 2025-12-05. Review status: criteria provided, single submitter. Criteria: Ambry Variant Classification Scheme 2023. Collection method: clinical testing. Allele origin: germline. Not counted in ClinVar's aggregate classification.
Comment: The p.W1204* pathogenic mutation (also known as c.3612G>A), located in coding exon 22 of the CFTR gene, results from a G to A substitution at nucleotide position 3612. This changes the amino acid from a tryptophan to a stop codon within exon 22. This variant has been identified in the homozygous state and/or in conjunction with other CFTR variant(s) in individual(s) with features consistent with cystic fibrosis (Ghanem N, Genomics 1994 May; 21(2):434-6; Schrijver I et al. J Mol Diagn. 2005;7(2):289-299). This variant is associated with elevated sweat chloride levels, decreased lung function, pancreatic insufficiency, and Pseudomonas infection (Sosnay PR, Nat. Genet. 2013 Oct; 45(10):1160-7; The Clinical and Functional Translation of CFTR (CFTR2); available at CFTR2. Accessed March 7, 2022). Of note, this alteration is also known as 3744G>A in published literature. This alteration is expected to result in loss of function by premature protein truncation or nonsense-mediated mRNA decay. As such, this alteration is interpreted as a disease-causing mutation.

Baylor Genetics
Classification: Pathogenic for Bronchiectasis with or without elevated sweat chloride 1. Last evaluated: 2023-08-27. Review status: criteria provided, single submitter. Criteria: ACMG Guidelines, 2015. Collection method: clinical testing. Allele origin: unknown. Not counted in ClinVar's aggregate classification.

Mayo Clinic Laboratories, Mayo Clinic
Classification: Pathogenic. Last evaluated: 2021-12-21. Review status: criteria provided, single submitter. Criteria: ACMG Guidelines, 2015. Collection method: clinical testing. Allele origin: germline. Not counted in ClinVar's aggregate classification.

Johns Hopkins Genomics, Johns Hopkins University
Classification: Pathogenic for Cystic fibrosis. Last evaluated: 2019-07-03. Review status: criteria provided, single submitter. Criteria: ACMG Guidelines, 2015. Collection method: clinical testing. Allele origin: germline. Not counted in ClinVar's aggregate classification.
Comment: See CFTR2 for phenotype information.

Women's Health and Genetics/Laboratory Corporation of America, LabCorp
Classification: Pathogenic. Last evaluated: 2018-05-04. Review status: criteria provided, single submitter. Criteria: LabCorp Variant Classification Summary - May 2015. Collection method: clinical testing. Allele origin: germline. Not counted in ClinVar's aggregate classification.
Comment: Variant summary: CFTR c.3612G>A (p.Trp1204X) results in a premature termination codon, predicted to cause a truncation of the encoded protein or absence of the protein due to nonsense mediated decay, which are commonly known mechanisms for disease. The variant was observed with an allele frequency of 1.2e-05 in 245006 control chromosomes (gnomAD). This frequency is not significantly higher than expected for a pathogenic variant in CFTR causing Cystic Fibrosis (1.2e-05 vs 0.013), allowing no conclusion about variant significance. The variant, c.3612G>A, has been reported in the literature in multiple individuals affected with Cystic Fibrosis (Sosnay_2014). These data indicate that the variant is very likely to be associated with disease. To our knowledge, no experimental evidence demonstrating an impact on protein function has been reported. Multiple ClinVar submssions from clinical diagnostic laboratories (evaluation after 2014) cites the variant as "pathogenic." Based on the evidence outlined above, the variant was classified as pathogenic.

CFTR-France
Classification: Pathogenic for cystic fibrosis; CFTR-related disorders. Last evaluated: 2018-01-29. Review status: criteria provided, single submitter. Criteria: Claustres M et al. (Hum Mutat 2017). Collection method: curation. Allele origin: germline. Affected: yes. Not counted in ClinVar's aggregate classification.
Comment: the variant causes a phenotype but regarding our data, we can't formally attribute it to CF, CFTR-RD or both

Eurofins Ntd Llc (ga)
Classification: Pathogenic. Last evaluated: 2013-01-03. Review status: criteria provided, single submitter. Criteria: EGL Classification Definitions. Collection method: clinical testing. Allele origin: germline. Observed: 1 variant allele, 1 heterozygote. Not counted in ClinVar's aggregate classification.

Counsyl
Classification: Pathogenic for Cystic fibrosis. Last evaluated: 2015-12-09. Review status: no assertion criteria provided. Collection method: clinical testing. Allele origin: unknown. Not counted in ClinVar's aggregate classification.

Literature cited by the submitters: PubMed 15858154 (cited by Natera, Inc. and Ambry Genetics); PubMed 1695717 (cited by Labcorp Genetics (formerly Invitae), Labcorp); PubMed 7691345 (cited by Labcorp Genetics (formerly Invitae), Labcorp); PubMed 9725922 (cited by Labcorp Genetics (formerly Invitae), Labcorp); PubMed 7522211 (cited by Labcorp Genetics (formerly Invitae), Labcorp and Ambry Genetics); PubMed 23974870 (cited by 4 submitters); PubMed 15365999 (cited by Ambry Genetics).